The following is an entry in ClinVar:

NM_004629.2(FANCG):c.1126G>A (p.Asp376Asn)

Gene: FANCG (FA complementation group G; minus strand). Cytogenetic location: 9p13.3.
Variant type: single nucleotide variant.
Coding change: c.1126G>A on transcript NM_004629.2 (MANE Select); coding-DNA position 1126, G replaced by A.
Protein change: p.Asp376Asn; replaces aspartic acid 376 with asparagine.
Molecular consequence: missense variant.
Genome position (GRCh38, 1-based): chr9:35,075,979, C>T on the plus strand (G>A on the coding strand, the complement: FANCG is on the minus strand). VCF-style: chr9-35075979-C-T. GRCh37 (hg19) VCF-style: chr9-35075976-C-T.
Other names: short protein forms D376N.
Identifiers: ClinVar variation 5036547 (VCV005036547.1).
Genomic context (GRCh38, chr9:35,075,979, plus strand): 5'-AACCCGTCTACCCCATTGCAGAGAAGCTTGAAGACACACCCACCCTTGGCTCCGAGCTAT[C>T]CAGCAACAGGGCCAGCAGGTCCAAGTAATGCTCTGCAGCGTCTCCTGCCCTGAGGAGTAA-3'
Protein context (NP_004620.1, residues 366-386): HYLDLLALLL[Asp376Asn]SSEPRFSPPP

ClinVar aggregate classification (germline): Uncertain significance (1 of 4 stars; one submission).

Conditions:
Inborn genetic diseases. Identifiers: MedGen C0950123, MeSH D030342.

gnomAD v4.1: 1 of 1,614,186 alleles (0.000062%); no homozygotes.

Submission:

Ambry Genetics
Classification: Uncertain significance for Inborn genetic diseases. Last evaluated: 2026-09-13. Review status: criteria provided, single submitter. Criteria: Ambry Variant Classification Scheme 2023. Collection method: clinical testing. Allele origin: germline.
Comment: The p.D376N variant (also known as c.1126G>A), located in coding exon 9 of the FANCG gene, results from a G to A substitution at nucleotide position 1126. The aspartic acid at codon 376 is replaced by asparagine, an amino acid with highly similar properties. This amino acid position is conserved. In addition, this alteration is predicted to be tolerated by in silico analysis. Based on the available evidence, the clinical significance of this variant remains unclear.